The following is an entry in ClinVar:

ClinVar aggregate classification (germline): Likely benign (1 of 4 stars; one submission).

gnomAD v4.1: 3 of 1,609,966 alleles (0.00019%); highest among the groups gnomAD compares: South Asian, 0.0033%; no homozygotes.

Submission:

CeGaT Center for Human Genetics Tuebingen
Classification: Likely benign. Last evaluated: 2026-02-01. Review status: criteria provided, single submitter. Criteria: CeGaT Center For Human Genetics Tuebingen Variant Classification Criteria Version 2. Collection method: clinical testing. Allele origin: germline. Affected: yes. Observed: 1 variant allele.
Comment: KAT6A: BP4

NM_006766.5(KAT6A):c.1428C>G (p.Ile476Met)

Gene: KAT6A (lysine acetyltransferase 6A; minus strand). Cytogenetic location: 8p11.21.
Variant type: single nucleotide variant.
Coding change: c.1428C>G on transcript NM_006766.5 (MANE Select); coding-DNA position 1428, C replaced by G.
Protein change: p.Ile476Met; replaces isoleucine 476 with methionine.
Molecular consequence: missense variant.
Genome position (GRCh38, 1-based): chr8:41,974,758, G>C on the plus strand (C>G on the coding strand, the complement: KAT6A is on the minus strand). VCF-style: chr8-41974758-G-C. GRCh37 (hg19) VCF-style: chr8-41832276-G-C.
Other names: c.1428C>G, p.Ile476Met (NM_001305878.2); short protein forms I476M.
Identifiers: ClinVar variation 4822042 (VCV004822042.4).